The following is an entry in ClinVar:

NM_005732.4(RAD50):c.1452+1G>A

Gene: RAD50 (RAD50 double strand break repair protein; plus strand). Cytogenetic location: 5q31.1.
Variant type: single nucleotide variant.
Coding change: c.1452+1G>A on transcript NM_005732.4 (MANE Select); the canonical splice donor site of the intron after coding-DNA position 1452, G replaced by A.
Molecular consequence: splice donor variant.
Genome position (GRCh38, 1-based): chr5:132,589,838, G>A. VCF-style: chr5-132589838-G-A. GRCh37 (hg19) VCF-style: chr5-131925530-G-A.
Identifiers: ClinVar variation 849004 (VCV000849004.8), dbSNP rs1750667558, ClinGen allele CA360945035.

ClinVar aggregate classification (germline): Likely pathogenic (1 of 4 stars; one submission).

Conditions:
Hereditary cancer-predisposing syndrome. Also called: Tumor predisposition; Neoplastic Syndromes, Hereditary; Hereditary neoplastic syndrome; Hereditary Cancer Syndrome. Identifiers: Orphanet 140162, MedGen C0027672, MeSH D009386, MONDO:0015356.

Submission:

Labcorp Genetics (formerly Invitae), Labcorp
Classification: Likely pathogenic for Hereditary cancer-predisposing syndrome. Last evaluated: 2021-09-10. Review status: criteria provided, single submitter. Criteria: Invitae Variant Classification Sherloc (09022015). Collection method: clinical testing. Allele origin: germline.
Comment: Donor and acceptor splice site variants typically lead to a loss of protein function (PMID: 16199547), and loss-of-function variants in RAD50 are known to be pathogenic (PMID: 16385572, 19409520). In summary, the currently available evidence indicates that the variant is pathogenic, but additional data are needed to prove that conclusively. Therefore, this variant has been classified as Likely Pathogenic. Algorithms developed to predict the effect of sequence changes on RNA splicing suggest that this variant may disrupt the consensus splice site, but this prediction has not been confirmed by published transcriptional studies. This variant is not present in population databases (ExAC no frequency). This sequence change affects a donor splice site in intron 9 of the RAD50 gene. It is expected to disrupt RNA splicing and likely results in an absent or disrupted protein product. This variant has not been reported in the literature in individuals with RAD50-related disease.

Literature cited by the submitters: PubMed 16199547; PubMed 16385572; PubMed 19409520.